The following is an entry in ClinVar:

NM_004984.4(KIF5A):c.2923T>G (p.Cys975Gly)

Gene: KIF5A (kinesin family member 5A; plus strand). Cytogenetic location: 12q13.3.
Variant type: single nucleotide variant.
Coding change: c.2923T>G on transcript NM_004984.4 (MANE Select); coding-DNA position 2923, T replaced by G.
Protein change: p.Cys975Gly; replaces cysteine 975 with glycine.
Molecular consequence: missense variant.
Genome position (GRCh38, 1-based): chr12:57,581,883, T>G. VCF-style: chr12-57581883-T-G. GRCh37 (hg19) VCF-style: chr12-57975666-T-G.
Other names: c.2923T>G (NM_004984.2); c.2656T>G, p.Cys886Gly (NM_001354705.2); short protein forms C886G, C975G.
Identifiers: ClinVar variation 2738137 (VCV002738137.4), dbSNP rs2540516252, ClinGen allele CA385516560.
Genomic context (GRCh38, chr12:57,581,883, plus strand): 5'-GTGGAGGGTGGGTGTCAGAGGCTGCCTCTTTCCTCTGCTCCATCCAGCTTTGCAAACTCC[T>G]GTACCAGCAGTGGAGCCACATCTTCTGGCGGCCCCTTGGCTTCCTACCAGAAGGCCAACA-3'
Protein context (NP_004975.2, residues 965-985): STSDMYFANS[Cys975Gly]TSSGATSSGG

ClinVar aggregate classification (germline): Uncertain significance. Review status: criteria provided, multiple submitters, no conflicts (2 of 4 stars). 2 submissions from 2 submitters: Uncertain significance (2). Last evaluated 2023-06-28.

Conditions:
Spastic paraplegia. Identifiers: MedGen C0037772, HP:0001258.

Submissions (2):

GeneDx
Classification: Uncertain significance. Last evaluated: 2023-06-28. Review status: criteria provided, single submitter. Criteria: GeneDx Variant Classification Process June 2021. Collection method: clinical testing. Allele origin: germline. Affected: yes.
Comment: Not observed at significant frequency in large population cohorts (gnomAD); In silico analysis supports that this missense variant does not alter protein structure/function; Has not been previously published as pathogenic or benign to our knowledge

Labcorp Genetics (formerly Invitae), Labcorp
Classification: Uncertain significance for Spastic paraplegia. Last evaluated: 2023-03-16. Review status: criteria provided, single submitter. Criteria: Invitae Variant Classification Sherloc (09022015). Collection method: clinical testing. Allele origin: germline.
Comment: In summary, the available evidence is currently insufficient to determine the role of this variant in disease. Therefore, it has been classified as a Variant of Uncertain Significance. Advanced modeling of protein sequence and biophysical properties (such as structural, functional, and spatial information, amino acid conservation, physicochemical variation, residue mobility, and thermodynamic stability) performed at Invitae indicates that this missense variant is not expected to disrupt KIF5A protein function. This variant has not been reported in the literature in individuals affected with KIF5A-related conditions. This variant is not present in population databases (gnomAD no frequency). This sequence change replaces cysteine, which is neutral and slightly polar, with glycine, which is neutral and non-polar, at codon 975 of the KIF5A protein (p.Cys975Gly).